The following is an entry in ClinVar:

NM_001204.7(BMPR2):c.2197T>G (p.Leu733Val)

Gene: BMPR2 (bone morphogenetic protein receptor type 2; plus strand). Cytogenetic location: 2q33.2.
Variant type: single nucleotide variant.
Coding change: c.2197T>G on transcript NM_001204.7 (MANE Select); coding-DNA position 2197, T replaced by G.
Protein change: p.Leu733Val; replaces leucine 733 with valine.
Molecular consequence: missense variant.
Genome position (GRCh38, 1-based): chr2:202,555,862, T>G. VCF-style: chr2-202555862-T-G. GRCh37 (hg19) VCF-style: chr2-203420585-T-G.
Other names: short protein forms L733V.
Identifiers: ClinVar variation 3992101 (VCV003992101.1).

ClinVar aggregate classification (germline): Uncertain significance (1 of 4 stars; one submission).

Conditions:
Inborn genetic diseases. Identifiers: MedGen C0950123, MeSH D030342.

Submission:

Ambry Genetics
Classification: Uncertain significance for Inborn genetic diseases. Last evaluated: 2025-04-06. Review status: criteria provided, single submitter. Criteria: Ambry Variant Classification Scheme 2023. Collection method: clinical testing. Allele origin: germline.
Comment: The p.L733V variant (also known as c.2197T>G), located in coding exon 12 of the BMPR2 gene, results from a T to G substitution at nucleotide position 2197. The leucine at codon 733 is replaced by valine, an amino acid with highly similar properties. This amino acid position is conserved. In addition, the in silico prediction for this alteration is inconclusive. Based on the available evidence, the clinical significance of this variant remains unclear.